The following is an entry in ClinVar:

NM_006245.4(PPP2R5D):c.1671+3G>T

Gene: PPP2R5D (protein phosphatase 2 regulatory subunit B'delta; plus strand). Cytogenetic location: 6p21.1.
Variant type: single nucleotide variant.
Coding change: c.1671+3G>T on transcript NM_006245.4 (MANE Select); 3 bases into the intron after coding-DNA position 1671, G replaced by T.
Molecular consequence: intron variant.
Genome position (GRCh38, 1-based): chr6:43,011,000, G>T. VCF-style: chr6-43011000-G-T. GRCh37 (hg19) VCF-style: chr6-42978738-G-T.
Other names: c.1218+3G>T (NM_001270476.2); c.1575+3G>T (NM_180976.3); c.1353+3G>T (NM_180977.3).
Identifiers: ClinVar variation 2993518 (VCV002993518.3), dbSNP rs762419342, ClinGen allele CA3812129.
Genomic context (GRCh38, chr6:43,011,000, plus strand): 5'-CCCCACAGCTGAGGACATCCAGCTTCTGAAGAGGACTGTGGAGACTGAGGCTGTTCAGGT[G>T]GGAGGGCAATGTAGGGGGATGGAGCAGAAATAATAGCTCTGGAAGGGAGAGGAGACAGAA-3'

ClinVar aggregate classification (germline): Uncertain significance (1 of 4 stars; one submission).

Allele frequency attached by ClinVar (database versions not stated): ExAC 0.00001.
gnomAD v4.1: 1 of 1,613,132 alleles (0.000062%); highest among the groups gnomAD compares: Non-Finnish European, 0.000085%; no homozygotes.

Submission:

Labcorp Genetics (formerly Invitae), Labcorp
Classification: Uncertain significance. Last evaluated: 2025-06-22. Review status: criteria provided, single submitter. Criteria: Invitae Variant Classification Sherloc (09022015). Collection method: clinical testing. Allele origin: germline.
Comment: This sequence change falls in intron 15 of the PPP2R5D gene. It does not directly change the encoded amino acid sequence of the PPP2R5D protein. It affects a nucleotide within the consensus splice site. This variant is present in population databases (rs762419342, gnomAD 0.0009%). This variant has not been reported in the literature in individuals affected with PPP2R5D-related conditions. ClinVar contains an entry for this variant (Variation ID: 2993518). Variants that disrupt the consensus splice site are a relatively common cause of aberrant splicing (PMID: 17576681, 9536098). Algorithms developed to predict the effect of sequence changes on RNA splicing suggest that this variant is not likely to affect RNA splicing. In summary, the available evidence is currently insufficient to determine the role of this variant in disease. Therefore, it has been classified as a Variant of Uncertain Significance.

Literature cited by the submitters: PubMed 17576681; PubMed 9536098.